The following is an entry in ClinVar:

ClinVar aggregate classification (germline): Uncertain significance (1 of 4 stars; one submission).

Submission:

GeneDx
Classification: Uncertain significance. Last evaluated: 2023-06-28. Review status: criteria provided, single submitter. Criteria: GeneDx Variant Classification Process June 2021. Collection method: clinical testing. Allele origin: germline. Affected: yes.
Comment: Not observed at significant frequency in large population cohorts (gnomAD); In silico analysis supports that this missense variant does not alter protein structure/function; Has not been previously published as pathogenic or benign to our knowledge

NM_000944.5(PPP3CA):c.379A>G (p.Ile127Val)

Gene: PPP3CA (protein phosphatase 3 catalytic subunit alpha; minus strand). Cytogenetic location: 4q24.
Variant type: single nucleotide variant.
Coding change: c.379A>G on transcript NM_000944.5 (MANE Select); coding-DNA position 379, A replaced by G.
Protein change: p.Ile127Val; replaces isoleucine 127 with valine.
Molecular consequence: missense variant.
Genome position (GRCh38, 1-based): chr4:101,108,959, T>C on the plus strand (A>G on the coding strand, the complement: PPP3CA is on the minus strand). VCF-style: chr4-101108959-T-C. GRCh37 (hg19) VCF-style: chr4-102030116-T-C.
Other names: c.379A>G, p.Ile127Val (NM_001130691.2, NM_001130692.2); short protein forms I127V.
Identifiers: ClinVar variation 3360375 (VCV003360375.1).